The following is an entry in ClinVar:

ClinVar aggregate classification (germline): Pathogenic/Likely pathogenic. Review status: criteria provided, multiple submitters, no conflicts (2 of 4 stars). 9 submissions from 9 submitters: Pathogenic (4); Likely pathogenic (4). 1 of the submissions does not count toward it. Last evaluated 2025-05-22.

Conditions:
Deficiency of acetyl-CoA acetyltransferase. Also called: Beta-ketothiolase deficiency; 3-KETOTHIOLASE DEFICIENCY; 3-OXOTHIOLASE DEFICIENCY; MITOCHONDRIAL ACETOACETYL-CoA THIOLASE DEFICIENCY. Identifiers: Orphanet 134, MedGen C1536500, MONDO:0008760, OMIM 203750. Disease mechanism: loss of function.

Allele frequency attached by ClinVar (database versions not stated): TOPMed 0.00001; gnomAD exomes 0.00002; gnomAD 0.00002; ExAC 0.00001.
gnomAD v4.1: 18 of 1,613,948 alleles (0.0011%); highest among the groups gnomAD compares: East Asian, 0.0045%; no homozygotes.

Submissions (9):

Labcorp Genetics (formerly Invitae), Labcorp
Classification: Pathogenic for Deficiency of acetyl-CoA acetyltransferase. Last evaluated: 2025-05-22. Review status: criteria provided, single submitter. Criteria: Invitae Variant Classification Sherloc (09022015). Collection method: clinical testing. Allele origin: germline.
Comment: This sequence change replaces glycine, which is neutral and non-polar, with arginine, which is basic and polar, at codon 183 of the ACAT1 protein (p.Gly183Arg). This variant is present in population databases (rs120074141, gnomAD 0.01%). This missense change has been observed in individual(s) with beta-ketothiolase deficiency (PMID: 1346617, 28689740). In at least one individual the data is consistent with being in trans (on the opposite chromosome) from a pathogenic variant. ClinVar contains an entry for this variant (Variation ID: 2833). Invitae Evidence Modeling of protein sequence and biophysical properties (such as structural, functional, and spatial information, amino acid conservation, physicochemical variation, residue mobility, and thermodynamic stability) indicates that this missense variant is expected to disrupt ACAT1 protein function with a positive predictive value of 95%. Experimental studies have shown that this missense change affects ACAT1 function (PMID: 1346617). For these reasons, this variant has been classified as Pathogenic.

Myriad Genetics, Inc.
Classification: Likely pathogenic for Deficiency of acetyl-CoA acetyltransferase. Last evaluated: 2025-03-11. Review status: criteria provided, single submitter. Criteria: Myriad Autosomal Dominant, Autosomal Recessive and X-Linked Classification Criteria (2023). Collection method: clinical testing. Allele origin: unknown.
Comment: NM_000019.3(ACAT1):c.547G>A(G183R) is a missense variant classified as likely pathogenic in the context of beta-ketothiolase deficiency. G183R has been observed in cases with relevant disease (PMID: 1346617, 28689740, Hu_2017_Article, 38582244, 38872403). Relevant functional assessments of this variant are not available in the literature. G183R has been observed in referenced population frequency databases. In summary, NM_000019.3(ACAT1):c.547G>A(G183R) is a missense variant that has been observed more frequently in cases with the relevant disease than in healthy populations. Please note: this variant was assessed in the context of healthy population screening.

Natera, Inc.
Classification: Likely pathogenic for Alpha-methylacetoacetic aciduria. Last evaluated: 2024-09-12. Review status: criteria provided, single submitter. Criteria: Natera Variant Classification Schema (03/2026). Collection method: clinical testing. Allele origin: germline.
Comment: The c.547G>A variant in ACAT1 is a missense variant predicted to cause substitution of glycine to arginine at amino acid 183. This variant is rare in the general population with a frequency below the threshold expected for the associated phenotype(s). This variant has been observed in one or more individuals affected with the associated recessive disease, as either homozygous or compound heterozygous with a second variant (PMID: 28689740, 1346617). Computational prediction algorithms indicate this variant is likely to affect gene or protein function. Given the available evidence, this variant is classified as Likely Pathogenic.

Centre for Inherited Metabolic Diseases, Karolinska University Hospital
Classification: Pathogenic for Deficiency of acetyl-CoA acetyltransferase. Last evaluated: 2024-07-23. Review status: criteria provided, single submitter. Criteria: ACMG Guidelines, 2015. Collection method: clinical testing. Allele origin: inherited. Inheritance: Autosomal recessive inheritance. Affected: yes. Observed: 1 homozygote.
Comment: The variant has been reported pathogenic (PS1, e.g. Grünert et al. 2017, PMID: 28689740 and Abdelkreem et al. 2019, PMID: 31268215). The variant causes functional damage (PS3, clinical/biochemical evidence). The variant is rare in the healthy population (PM2 - supporting). The variant is homozygous (PM3-supporting according to the ClinGen Sequence variant interpretation Recommendation for in-trans Criterion (PM3) - Version 1.0). The variant is predicted pathogenic (PP3).

Revvity Omics, Revvity
Classification: Pathogenic for Deficiency of acetyl-CoA acetyltransferase. Last evaluated: 2024-03-29. Review status: criteria provided, single submitter. Criteria: ACMG Guidelines, 2015. Collection method: clinical testing. Allele origin: germline.

Women's Health and Genetics/Laboratory Corporation of America, LabCorp
Classification: Pathogenic for Deficiency of acetyl-CoA acetyltransferase. Last evaluated: 2022-12-09. Review status: criteria provided, single submitter. Criteria: LabCorp Variant Classification Summary - May 2015. Collection method: clinical testing. Allele origin: germline.
Comment: Variant summary: ACAT1 c.547G>A (p.Gly183Arg) results in a non-conservative amino acid change located in the Thiolase, N-terminal (IPR020616) of the encoded protein sequence. Five of five in-silico tools predict a damaging effect of the variant on protein function. The variant allele was found at a frequency of 1.6e-05 in 251422 control chromosomes. c.547G>A has been reported in the literature in multiple individuals affected with Mitochondrial Acetoacetyl-CoA Thiolase Deficiency with evidence of cosegregation (Fukao_1992, Grunert_2017, Hu_2017), and some patients were reported as compound heterozygous with other pathogenic variants. These data indicate that the variant is very likely to be associated with disease. To our knowledge, no experimental evidence demonstrating an impact on protein function has been reported. Two laboratories have submitted clinical-significance assessments for this variant to ClinVar after 2014. Both classified the variant as pathogenic/likely pathogenic. Based on the evidence outlined above, the variant was classified as pathogenic.

Fulgent Genetics
Classification: Likely pathogenic for Deficiency of acetyl-CoA acetyltransferase. Last evaluated: 2021-07-29. Review status: criteria provided, single submitter. Criteria: ACMG Guidelines, 2015. Collection method: clinical testing. Allele origin: unknown.

Department of Pediatrics, Gifu University
Classification: Likely pathogenic for Deficiency of acetyl-CoA acetyltransferase. Last evaluated: 2019-05-05. Review status: criteria provided, single submitter. Criteria: ACMG Guidelines, 2015. Collection method: research. Allele origin: germline. Affected: yes. Observed: 5 variant alleles. Clinical features observed: Ketoacidosis.

OMIM
Classification: Pathogenic for 3-KETOTHIOLASE DEFICIENCY. Last evaluated: 1992-02-01. Review status: no assertion criteria provided. Collection method: literature only. Allele origin: germline. Not counted in ClinVar's aggregate classification.

Literature cited by the submitters: PubMed 1346617 (cited by 4 submitters); PubMed 28689740 (cited by 3 submitters); PubMed 32778825 (cited by Women's Health and Genetics/Laboratory Corporation of America, LabCorp); PubMed 31268215 (cited by Department of Pediatrics, Gifu University); PubMed 11161836 (cited by Department of Pediatrics, Gifu University); PubMed 7173255 (cited by OMIM).

NM_000019.4(ACAT1):c.547G>A (p.Gly183Arg)

Gene: ACAT1 (acetyl-CoA acetyltransferase 1; plus strand). Cytogenetic location: 11q22.3.
Variant type: single nucleotide variant.
Coding change: c.547G>A on transcript NM_000019.4 (MANE Select); coding-DNA position 547, G replaced by A.
Protein change: p.Gly183Arg; replaces glycine 183 with arginine.
Molecular consequence: missense variant.
Genome position (GRCh38, 1-based): chr11:108,139,009, G>A. VCF-style: chr11-108139009-G-A. GRCh37 (hg19) VCF-style: chr11-108009736-G-A.
Other names: G150R; c.547G>A, p.Gly183Arg (LRG_1400t1); short protein forms G183R.
Identifiers: ClinVar variation 2833 (VCV000002833.17), dbSNP rs120074141, ClinGen allele CA252462.